The following is an entry in ClinVar:

ClinVar aggregate classification (germline): Uncertain significance (1 of 4 stars; one submission).

Submission:

Laboratory for Molecular Medicine, Mass General Brigham Personalized Medicine
Classification: Uncertain significance. Last evaluated: 2017-06-23. Review status: criteria provided, single submitter. Criteria: LMM Criteria. Collection method: clinical testing. Allele origin: germline. Observed: 12 variant alleles.
Comment: proposed classification - variant undergoing re-assessment, contact laboratory

Literature cited by the submitters: PubMed 25342930.

NM_153700.2(STRC):c.(?_3519)_(3557_?)+28dup

Gene: STRC (stereocilin; minus strand). Cytogenetic location: 15q15.3.
Variant type: Duplication.
Identifiers: ClinVar variation 229264 (VCV000229264.5).